The following is an entry in ClinVar:

NM_017617.5(NOTCH1):c.580A>G (p.Thr194Ala)

Gene: NOTCH1 (notch receptor 1; minus strand). Cytogenetic location: 9q34.3.
Variant type: single nucleotide variant.
Coding change: c.580A>G on transcript NM_017617.5 (MANE Select); coding-DNA position 580, A replaced by G.
Protein change: p.Thr194Ala; replaces threonine 194 with alanine.
Molecular consequence: missense variant.
Genome position (GRCh38, 1-based): chr9:136,523,012, T>C on the plus strand (A>G on the coding strand, the complement: NOTCH1 is on the minus strand). VCF-style: chr9-136523012-T-C. GRCh37 (hg19) VCF-style: chr9-139417464-T-C.
Other names: short protein forms T194A.
Identifiers: ClinVar variation 1704868 (VCV001704868.3), dbSNP rs770333242, ClinGen allele CA201589951.

ClinVar aggregate classification (germline): Uncertain significance (1 of 4 stars; one submission).

Allele frequency attached by ClinVar (database versions not stated): TOPMed below 0.00001; gnomAD 0.00001.

Submission:

GeneDx
Classification: Uncertain significance. Last evaluated: 2024-09-23. Review status: criteria provided, single submitter. Criteria: GeneDx Variant Classification Process June 2021. Collection method: clinical testing. Allele origin: germline. Affected: yes.
Comment: Not observed at significant frequency in large population cohorts (gnomAD); In silico analysis indicates that this missense variant does not alter protein structure/function; Has not been previously published as pathogenic or benign to our knowledge